The following is an entry in ClinVar:

ClinVar aggregate classification (germline): Uncertain significance (1 of 4 stars; one submission).

Conditions:
Epilepsy, familial focal, with variable foci 4 (FFEVF4). Identifiers: MedGen C4693694, MONDO:0054776, OMIM 617935.

Submission:

Baylor Genetics
Classification: Uncertain significance for Epilepsy, familial focal, with variable foci 4. Last evaluated: 2018-09-25. Review status: criteria provided, single submitter. Criteria: ACMG Guidelines, 2015. Collection method: clinical testing. Allele origin: paternal. Affected: yes.
Comment: This variant was determined to be of uncertain significance according to ACMG Guidelines, 2015 [PMID:25741868].

NM_006922.4(SCN3A):c.1580A>C (p.Glu527Ala)

Gene: SCN3A (sodium voltage-gated channel alpha subunit 3; minus strand). Cytogenetic location: 2q24.3.
Variant type: single nucleotide variant.
Coding change: c.1580A>C on transcript NM_006922.4 (MANE Select); coding-DNA position 1580, A replaced by C.
Protein change: p.Glu527Ala; replaces glutamic acid 527 with alanine.
Molecular consequence: missense variant.
Genome position (GRCh38, 1-based): chr2:165,146,830, T>G on the plus strand (A>C on the coding strand, the complement: SCN3A is on the minus strand). VCF-style: chr2-165146830-T-G. GRCh37 (hg19) VCF-style: chr2-166003340-T-G.
Other names: c.1580A>C, p.Glu527Ala (NM_001081676.2, NM_001081677.2); short protein forms E527A.
Identifiers: ClinVar variation 1033165 (VCV001033165.1), dbSNP rs1688370923, ClinGen allele CA349236442.
Genomic context (GRCh38, chr2:165,146,830, plus strand): 5'-GTCAGTCTGTTTCCATCCATGGAGAAAAGGAAGCTGCTTCTTTTGACGCTGTCTTCAGAT[T>G]CGGATTTGGGAAAGCTGTCTCTCTCTCCTTTGTTGTTTCCTTCAAGGTGCTCTCTCTGTC-3'
Protein context (NP_008853.3, residues 517-537): KGERDSFPKS[Glu527Ala]SEDSVKRSSF